The following is an entry in ClinVar:

ClinVar aggregate classification (germline): Uncertain significance (1 of 4 stars; one submission).

Conditions:
Syndromic multisystem autoimmune disease due to ITCH deficiency. Also called: AUTOIMMUNE DISEASE, MULTISYSTEM, WITH FACIAL DYSMORPHISM. Identifiers: Orphanet 228426, MedGen C3150649, MONDO:0013245, OMIM 613385.

Submission:

Labcorp Genetics (formerly Invitae), Labcorp
Classification: Uncertain significance for Syndromic multisystem autoimmune disease due to ITCH deficiency. Last evaluated: 2022-08-24. Review status: criteria provided, single submitter. Criteria: Invitae Variant Classification Sherloc (09022015). Collection method: clinical testing. Allele origin: germline.
Comment: This variant is a gross deletion of the genomic region encompassing exon(s) 16 of the ITCH gene. This variant would be expected to be in-frame, preserving the integrity of the reading frame. In summary, the available evidence is currently insufficient to determine the role of this variant in disease. Therefore, it has been classified as a Variant of Uncertain Significance. Experimental studies and prediction algorithms are not available or were not evaluated, and the functional significance of this variant is currently unknown. This variant has not been reported in the literature in individuals affected with ITCH-related conditions.

NC_000020.10:g.(?_33059229)_(33059340_?)del

Gene: ITCH (itchy E3 ubiquitin protein ligase; plus strand). Cytogenetic location: 20q11.22.
Variant type: Deletion.
Identifiers: ClinVar variation 2426981 (VCV002426981.4).